The following is an entry in ClinVar:

NM_000157.4(GBA1):c.731A>G (p.Tyr244Cys)

Genes: GBA1 (glucosylceramidase beta 1; minus strand), LOC106627981 (GBA recombination region; plus strand). Cytogenetic location: 1q22.
Variant type: single nucleotide variant.
Coding change: c.731A>G on transcript NM_000157.4 (MANE Select); coding-DNA position 731, A replaced by G.
Protein change: p.Tyr244Cys; replaces tyrosine 244 with cysteine.
Molecular consequence: missense variant.
Genome position (GRCh38, 1-based): chr1:155,238,164, T>C on the plus strand (A>G on the coding strand, the complement: GBA1 is on the minus strand). VCF-style: chr1-155238164-T-C. GRCh37 (hg19) VCF-style: chr1-155207955-T-C.
Other names: c.731A>G, p.Tyr244Cys (NM_001005741.3, NM_001005742.3); c.470A>G, p.Tyr157Cys (NM_001171811.2); c.584A>G, p.Tyr195Cys (NM_001171812.2); short protein forms Y157C, Y195C, Y244C.
Identifiers: ClinVar variation 4817799 (VCV004817799.1).

ClinVar aggregate classification (germline): Likely pathogenic (1 of 4 stars; one submission).

Conditions:
Gaucher disease. Also called: Acute cerebral Gaucher disease; Cerebroside lipidosis syndrome; Gaucher splenomegaly; Sphingolipidosis 1; Glucocerebrosidosis; Glucosylceramidase deficiency. Identifiers: Orphanet 355, MedGen C0017205, MONDO:0018150.

gnomAD v4.1: 1 of 1,614,142 alleles (0.000062%); no homozygotes.

Submission:

Natera, Inc.
Classification: Likely pathogenic for Gaucher disease. Last evaluated: 2025-11-25. Review status: criteria provided, single submitter. Criteria: Natera Variant Classification Schema (03/2026). Collection method: clinical testing. Allele origin: germline.
Comment: The c.731A>G variant in GBA1 is a missense variant predicted to cause substitution of tyrosine to cysteine at amino acid 244. This variant is rare in the general population with a frequency below the threshold expected for the associated phenotype(s). This variant has been observed in one or more individuals affected with the associated recessive disease, as either homozygous or compound heterozygous with a second variant (PMID: 34134921, 12595585, 10360404). Computational prediction algorithms indicate this variant is likely to affect gene or protein function. Given the available evidence, this variant is classified as Likely Pathogenic.

Literature cited by the submitters: PubMed 34134921; PubMed 12595585; PubMed 10360404.